The following is an entry in ClinVar:

NC_000018.10:g.(?_51030213)_(51078477_?)del

Gene: SMAD4 (SMAD family member 4; plus strand). Cytogenetic location: 18q21.2.
Variant type: Deletion.
Identifiers: ClinVar variation 583710 (VCV000583710.3).

ClinVar aggregate classification (germline): Pathogenic (1 of 4 stars; one submission).

Conditions:
Generalized juvenile polyposis/juvenile polyposis coli. Also called: Juvenile polyposis coli. Identifiers: Orphanet 329971, MedGen C1868081, MONDO:0008276.

Submission:

Labcorp Genetics (formerly Invitae), Labcorp
Classification: Pathogenic for Juvenile polyposis syndrome. Last evaluated: 2019-07-02. Review status: criteria provided, single submitter. Criteria: Invitae Variant Classification Sherloc (09022015). Collection method: clinical testing. Allele origin: germline.
Comment: A gross deletion of the genomic region encompassing the full coding sequence of the SMAD4 gene has been identified. The boundaries of this event are unknown as the deletion extends beyond the assayed region for this gene and therefore may encompass additional genes. Loss-of-function variants in SMAD4 are known to be pathogenic. A deletion of the entire SMAD4 gene has been reported in the literature in individuals affected with juvenile polyposis syndrome (PMID: 17873119). For these reasons, this variant has been classified as Pathogenic.

Literature cited by the submitters: PubMed 17873119.